The following is an entry in ClinVar:

NM_020232.5(PSMG2):c.418C>T (p.Arg140Trp)

Gene: PSMG2 (proteasome assembly chaperone 2; plus strand). Cytogenetic location: 18p11.21.
Variant type: single nucleotide variant.
Coding change: c.418C>T on transcript NM_020232.5 (MANE Select); coding-DNA position 418, C replaced by T.
Protein change: p.Arg140Trp; replaces arginine 140 with tryptophan.
Molecular consequence: missense variant.
Genome position (GRCh38, 1-based): chr18:12,720,520, C>T. VCF-style: chr18-12720520-C-T. GRCh37 (hg19) VCF-style: chr18-12720519-C-T.
Other names: c.325C>T, p.Arg109Trp (NM_147163.2); short protein forms R140W, R109W.
Identifiers: ClinVar variation 2192543 (VCV002192543.4), dbSNP rs754710632, ClinGen allele CA8898404.

ClinVar aggregate classification (germline): Uncertain significance (1 of 4 stars; one submission).

Allele frequency attached by ClinVar (database versions not stated): gnomAD exomes 0.00001; gnomAD 0.00002; TOPMed 0.00002; ExAC 0.00004.
gnomAD v4.1: 16 of 1,595,738 alleles (0.001%); highest among the groups gnomAD compares: Admixed American, 0.0072%; no homozygotes.

Submission:

Labcorp Genetics (formerly Invitae), Labcorp
Classification: Uncertain significance. Last evaluated: 2025-10-07. Review status: criteria provided, single submitter. Criteria: Invitae Variant Classification Sherloc (09022015). Collection method: clinical testing. Allele origin: germline.
Comment: This sequence change replaces arginine, which is basic and polar, with tryptophan, which is neutral and slightly polar, at codon 140 of the PSMG2 protein (p.Arg140Trp). This variant is present in population databases (rs754710632, gnomAD 0.01%). This variant has not been reported in the literature in individuals affected with PSMG2-related conditions. ClinVar contains an entry for this variant (Variation ID: 2192543). An algorithm developed to predict the effect of missense changes on protein structure and function (PolyPhen-2) suggests that this variant is likely to be disruptive. In summary, the available evidence is currently insufficient to determine the role of this variant in disease. Therefore, it has been classified as a Variant of Uncertain Significance.